The following is an entry in ClinVar:

ClinVar aggregate classification (germline): Uncertain significance (1 of 4 stars; one submission).

Allele frequency attached by ClinVar (database versions not stated): 1000 Genomes Project 0.00020; gnomAD 0.00001; ExAC 0.00002; gnomAD exomes 0.00001; TOPMed below 0.00001; 1000 Genomes Project 30x 0.00016.
gnomAD v4.1: 12 of 1,611,980 alleles (0.00074%); highest among the groups gnomAD compares: Non-Finnish European, 0.001%; no homozygotes.

Submission:

Labcorp Genetics (formerly Invitae), Labcorp
Classification: Uncertain significance. Last evaluated: 2026-01-06. Review status: criteria provided, single submitter. Criteria: Invitae Variant Classification Sherloc (09022015). Collection method: clinical testing. Allele origin: germline.
Comment: This sequence change replaces serine, which is neutral and polar, with phenylalanine, which is neutral and non-polar, at codon 935 of the ITGAM protein (p.Ser935Phe). This variant is present in population databases (rs146026711, gnomAD 0.007%). This variant has not been reported in the literature in individuals affected with ITGAM-related conditions. ClinVar contains an entry for this variant (Variation ID: 2693790). An algorithm developed to predict the effect of missense changes on protein structure and function (PolyPhen-2) suggests that this variant is likely to be tolerated. In summary, the available evidence is currently insufficient to determine the role of this variant in disease. Therefore, it has been classified as a Variant of Uncertain Significance.

NM_000632.4(ITGAM):c.2804C>T (p.Ser935Phe)

Gene: ITGAM (integrin subunit alpha M; plus strand). Cytogenetic location: 16p11.2.
Variant type: single nucleotide variant.
Coding change: c.2804C>T on transcript NM_000632.4 (MANE Select); coding-DNA position 2804, C replaced by T.
Protein change: p.Ser935Phe; replaces serine 935 with phenylalanine.
Molecular consequence: missense variant.
Genome position (GRCh38, 1-based): chr16:31,329,239, C>T. VCF-style: chr16-31329239-C-T. GRCh37 (hg19) VCF-style: chr16-31340560-C-T.
Other names: c.2807C>T, p.Ser936Phe (NM_001145808.2); short protein forms S935F, S936F.
Identifiers: ClinVar variation 2693790 (VCV002693790.3), dbSNP rs146026711, ClinGen allele CA8025984.